The following is an entry in ClinVar:

NM_006767.4(LZTR1):c.382A>G (p.Ser128Gly)

Gene: LZTR1 (leucine zipper like post translational regulator 1; plus strand). Cytogenetic location: 22q11.21.
Variant type: single nucleotide variant.
Coding change: c.382A>G on transcript NM_006767.4 (MANE Select); coding-DNA position 382, A replaced by G.
Protein change: p.Ser128Gly; replaces serine 128 with glycine.
Molecular consequence: missense variant.
Genome position (GRCh38, 1-based): chr22:20,987,565, A>G. VCF-style: chr22-20987565-A-G. GRCh37 (hg19) VCF-style: chr22-21341854-A-G.
Other names: short protein forms S128G.
Identifiers: ClinVar variation 2496774 (VCV002496774.5), dbSNP rs2518612548, ClinGen allele CA410779407.

ClinVar aggregate classification (germline): Conflicting classifications of pathogenicity. Review status: criteria provided, conflicting classifications (1 of 4 stars). 2 submissions from 2 submitters: Likely pathogenic (1); Uncertain significance (1). Last evaluated 2025-11-03.

Conditions:
Hereditary cancer-predisposing syndrome. Also called: Neoplastic Syndromes, Hereditary; Hereditary neoplastic syndrome; Tumor predisposition; Hereditary Cancer Syndrome. Identifiers: Orphanet 140162, MedGen C0027672, MeSH D009386, MONDO:0015356.
Cardiovascular phenotype. Identifiers: MedGen CN230736.

Allele frequency attached by ClinVar (database versions not stated): gnomAD exomes below 0.00001.
gnomAD v4.1: 1 of 1,613,972 alleles (0.000062%); highest among the groups gnomAD compares: Non-Finnish European, 0.000085%; no homozygotes.

Submissions (2):

Ambry Genetics
Classification: Likely pathogenic for Cardiovascular phenotype; Hereditary cancer-predisposing syndrome. Last evaluated: 2025-11-03. Review status: criteria provided, single submitter. Criteria: Ambry Variant Classification Scheme 2023. Collection method: clinical testing. Allele origin: germline.
Comment: The c.382A>G variant (also known as p.S128G), located in coding exon 4 of the LZTR1 gene, results from an A to G substitution at nucleotide position 382. The serine at codon 128 is replaced by glycine, an amino acid with similar properties. This nucleotide position is highly conserved in available vertebrate species. In silico splice site analysis predicts that this alteration will not have any significant effect on splicing. However, RNA studies have demonstrated that this alteration results in abnormal splicing in the set of samples tested (Ambry internal data). This variant is considered to be rare based on population cohorts in the Genome Aggregation Database (gnomAD). Loss-of-function variants in LZTR1 are related to an increased risk for schwannomas and autosomal recessive Noonan syndrome; however, such associations with autosomal dominant Noonan syndrome have not been observed (Piotrowski A et al. Nat Genet. 2014 Feb;46:182-7; Yamamoto GL et al. J Med Genet. 2015 Jun;52:413-21; Johnston JJ et al. Genet Med. 2018 10;20:1175-1185). Based on the supporting evidence, this variant is likely pathogenic for an increased risk of LZTR1-related schwannomatosis (SWN) and would be expected to cause autosomal recessive Noonan syndrome when present along with a second pathogenic or likely pathogenic variant on the other allele; however, the association of this alteration with autosomal dominant Noonan syndrome is unlikely.

Labcorp Genetics (formerly Invitae), Labcorp
Classification: Uncertain significance. Last evaluated: 2024-04-29. Review status: criteria provided, single submitter. Criteria: Invitae Variant Classification Sherloc (09022015). Collection method: clinical testing. Allele origin: germline.
Comment: This sequence change replaces serine, which is neutral and polar, with glycine, which is neutral and non-polar, at codon 128 of the LZTR1 protein (p.Ser128Gly). This variant is not present in population databases (gnomAD no frequency). This variant has not been reported in the literature in individuals affected with LZTR1-related conditions. ClinVar contains an entry for this variant (Variation ID: 2496774). Advanced modeling of protein sequence and biophysical properties (such as structural, functional, and spatial information, amino acid conservation, physicochemical variation, residue mobility, and thermodynamic stability) performed at Invitae indicates that this missense variant is not expected to disrupt LZTR1 protein function with a negative predictive value of 80%. In summary, the available evidence is currently insufficient to determine the role of this variant in disease. Therefore, it has been classified as a Variant of Uncertain Significance.